The following is an entry in ClinVar:

NM_000254.3(MTR):c.*1133C>T

Gene: MTR (5-methyltetrahydrofolate-homocysteine methyltransferase; plus strand). Cytogenetic location: 1q43.
Variant type: single nucleotide variant.
Coding change: c.*1133C>T on transcript NM_000254.3 (MANE Select); 1133 bases downstream of the stop codon, C replaced by T.
Molecular consequence: 3 prime UTR variant.
Genome position (GRCh38, 1-based): chr1:236,898,777, C>T. VCF-style: chr1-236898777-C-T. GRCh37 (hg19) VCF-style: chr1-237062077-C-T.
Other names: c.*1133C>T (NM_001291939.1, NM_001291940.2).
Identifiers: ClinVar variation 296606 (VCV000296606.5), dbSNP rs543533866, ClinGen allele CA10610639.

ClinVar aggregate classification (germline): Likely benign (1 of 4 stars; one submission).

Conditions:
Disorders of Intracellular Cobalamin Metabolism. Identifiers: MedGen CN043592.

Allele frequency attached by ClinVar (database versions not stated): gnomAD 0.00029 and 0.00044; TOPMed 0.00035; 1000 Genomes Project 0.00120; 1000 Genomes Project 30x 0.00141.

Submission:

Illumina Laboratory Services, Illumina
Classification: Likely benign for Disorders of Intracellular Cobalamin Metabolism. Last evaluated: 2018-01-13. Review status: criteria provided, single submitter. Criteria: ICSL Variant Classification Criteria 13 December 2019. Collection method: clinical testing. Allele origin: germline.
Comment: This variant was observed in the ICSL laboratory as part of a predisposition screen in an ostensibly healthy population. It had not been previously curated by ICSL or reported in the Human Gene Mutation Database (HGMD: prior to June 1st, 2018), and was therefore a candidate for classification through an automated scoring system. Utilizing variant allele frequency, disease prevalence and penetrance estimates, and inheritance mode, an automated score was calculated to assess if this variant is too frequent to cause the disease. Based on the score and internal cut-off values, a variant classified as likely benign is not then subjected to further curation. The score for this variant resulted in a classification of likely benign for this disease.